The following is an entry in ClinVar:

ClinVar aggregate classification (germline): Likely benign (1 of 4 stars; one submission).

Submission:

GeneDx
Classification: Likely benign. Last evaluated: 2018-05-15. Review status: criteria provided, single submitter. Criteria: GeneDx Variant Classification (06012015). Collection method: clinical testing. Allele origin: germline. Affected: yes.
Comment: This variant is considered likely benign or benign based on one or more of the following criteria: it is a conservative change, it occurs at a poorly conserved position in the protein, it is predicted to be benign by multiple in silico algorithms, and/or has population frequency not consistent with disease.

NM_001199107.2(TBC1D24):c.-35del

Gene: TBC1D24 (TBC1 domain family member 24; plus strand). Cytogenetic location: 16p13.3.
Variant type: Deletion.
Coding change: c.-35del on transcript NM_001199107.2 (MANE Select); 35 bases upstream of the start codon, one base deleted (G; older notation c.-35delG).
Molecular consequence: 5 prime UTR variant.
Genome position (GRCh38, 1-based): chr16:2,496,114, G deleted; the last of 2 consecutive G bases (chr16:2,496,113-2,496,114); deleting either gives the same sequence. VCF-style (leftmost placement, unchanged base first): chr16-2496112-CG-C. GRCh37 (hg19) VCF-style: chr16-2546113-CG-C.
Other names: c.-35del (NM_020705.3).
Identifiers: ClinVar variation 668367 (VCV000668367.1), dbSNP rs1596967242, ClinGen allele CA915949041.